The following is an entry in ClinVar:

ClinVar aggregate classification (germline): Uncertain significance (1 of 4 stars; one submission).

Conditions:
Neuropathy, hereditary sensory, type 2C. Also called: KIF1A-Related HSAN2 (HSAN2C); Hereditary sensory and autonomic neuropathy type IIC. Identifiers: Orphanet 970, MedGen C3280168, MONDO:0013634, OMIM 614213.
Hereditary spastic paraplegia 30. Identifiers: Orphanet 101010, MedGen C5235139, MONDO:0012476.
Intellectual disability, autosomal dominant 9 (NESCAVS). Also called: KIF1A-Related Neurodevelopmental Disorder; NESCAV SYNDROME. Identifiers: Orphanet 662367, MedGen C5393830, MONDO:0013656, OMIM 614255.

gnomAD v4.1: 1 of 1,608,090 alleles (0.000062%); highest among the groups gnomAD compares: Non-Finnish European, 0.000085%; no homozygotes.

Submission:

Labcorp Genetics (formerly Invitae), Labcorp
Classification: Uncertain significance for Hereditary spastic paraplegia 30; Neuropathy, hereditary sensory, type 2C; Intellectual disability, autosomal dominant 9. Last evaluated: 2024-05-04. Review status: criteria provided, single submitter. Criteria: Invitae Variant Classification Sherloc (09022015). Collection method: clinical testing. Allele origin: germline.
Comment: This sequence change replaces proline, which is neutral and non-polar, with arginine, which is basic and polar, at codon 1524 of the KIF1A protein (p.Pro1524Arg). This variant is not present in population databases (gnomAD no frequency). This variant has not been reported in the literature in individuals affected with KIF1A-related conditions. Advanced modeling of protein sequence and biophysical properties (such as structural, functional, and spatial information, amino acid conservation, physicochemical variation, residue mobility, and thermodynamic stability) performed at Invitae indicates that this missense variant is not expected to disrupt KIF1A protein function with a negative predictive value of 95%. In summary, the available evidence is currently insufficient to determine the role of this variant in disease. Therefore, it has been classified as a Variant of Uncertain Significance.

NM_001244008.2(KIF1A):c.4874C>G (p.Pro1625Arg)

Gene: KIF1A (kinesin family member 1A; minus strand). Cytogenetic location: 2q37.3.
Variant type: single nucleotide variant.
Coding change: c.4874C>G on transcript NM_001244008.2 (MANE Select); coding-DNA position 4874, C replaced by G.
Protein change: p.Pro1625Arg; replaces proline 1625 with arginine.
Molecular consequence: missense variant.
Genome position (GRCh38, 1-based): chr2:240,719,921, G>C on the plus strand (C>G on the coding strand, the complement: KIF1A is on the minus strand). VCF-style: chr2-240719921-G-C. GRCh37 (hg19) VCF-style: chr2-241659338-G-C.
Other names: c.4598C>G, p.Pro1533Arg (NM_001320705.2, NM_001379649.1); c.4625C>G, p.Pro1542Arg (NM_001330289.2); c.4673C>G, p.Pro1558Arg (NM_001330290.2, NM_001379648.1); c.4949C>G, p.Pro1650Arg (NM_001379631.1); c.4850C>G, p.Pro1617Arg (NM_001379632.1); c.4847C>G, p.Pro1616Arg (NM_001379633.1, NM_001379645.1); c.4700C>G, p.Pro1567Arg (NM_001379634.1); c.4697C>G, p.Pro1566Arg (NM_001379635.1, NM_001379646.1); and 7 more; short protein forms P1523R, P1524R, P1532R, P1533R, P1541R, P1542R, P1549R, P1558R.
Identifiers: ClinVar variation 3751372 (VCV003751372.2).